The following is an entry in ClinVar:

NM_001379286.1(ZNF423):c.741C>T (p.Ser247=)

Gene: ZNF423 (zinc finger protein 423; minus strand). Cytogenetic location: 16q12.1.
Variant type: single nucleotide variant.
Coding change: c.741C>T on transcript NM_001379286.1 (MANE Select); coding-DNA position 741, C replaced by T.
Protein change: p.Ser247=; no amino-acid change (serine 247 retained).
Molecular consequence: synonymous variant.
Genome position (GRCh38, 1-based): chr16:49,638,435, G>A on the plus strand (C>T on the coding strand, the complement: ZNF423 is on the minus strand). VCF-style: chr16-49638435-G-A. GRCh37 (hg19) VCF-style: chr16-49672346-G-A.
Other names: c.717C>T (NM_015069.4); c.537C>T, p.Ser179= (NM_001271620.2); c.366C>T, p.Ser122= (NM_001330533.2); c.717C>T, p.Ser239= (NM_015069.5).
Identifiers: ClinVar variation 2721655 (VCV002721655.6), dbSNP rs375898450, ClinGen allele CA8046830.

ClinVar aggregate classification (germline): Likely benign. Review status: criteria provided, multiple submitters, no conflicts (2 of 4 stars). 3 submissions from 3 submitters: Likely benign (2). 1 of the submissions does not count toward it. Last evaluated 2025-11-15.

Conditions:
ZNF423-related disorder. Also called: ZNF423-related condition.
Nephronophthisis 14 (NPHP14). Identifiers: Orphanet 2318, MedGen C3539071, MONDO:0013916, OMIM 614844.

Allele frequency attached by ClinVar (database versions not stated): ExAC 0.00003; gnomAD 0.00005; TOPMed 0.00006; ESP Exome Variant Server 0.00008.
gnomAD v4.1: 16 of 1,613,798 alleles (0.00099%); highest among the groups gnomAD compares: African/African-American, 0.02%; no homozygotes.

Submissions (3):

Labcorp Genetics (formerly Invitae), Labcorp
Classification: Likely benign for Nephronophthisis 14. Last evaluated: 2025-11-15. Review status: criteria provided, single submitter. Criteria: Invitae Variant Classification Sherloc (09022015). Collection method: clinical testing. Allele origin: germline.

Blueprint Genetics
Classification: Likely benign. Last evaluated: 2022-04-12. Review status: criteria provided, single submitter. Criteria: ACMG Guidelines, 2015. Collection method: clinical testing. Allele origin: germline.

PreventionGenetics, part of Exact Sciences
Classification: Likely benign for ZNF423-related condition. Last evaluated: 2019-10-28. Review status: no assertion criteria provided. Collection method: clinical testing. Allele origin: germline. Not counted in ClinVar's aggregate classification.
Comment: This variant is classified as likely benign based on ACMG/AMP sequence variant interpretation guidelines (Richards et al. 2015 PMID: 25741868, with internal and published modifications).